The following is an entry in ClinVar:

ClinVar aggregate classification (germline): Uncertain significance (1 of 4 stars; one submission).

Conditions:
Gorlin syndrome. Also called: Basal cell nevus syndrome; Nevoid Basal Cell Carcinoma Syndrome. Identifiers: Orphanet 377, MedGen C0004779, MONDO:0007187.
Medulloblastoma (MDB). Also called: MEDULLOBLASTOMA PREDISPOSITION SYNDROME; Medulloblastoma, somatic. Identifiers: Orphanet 616, MedGen C0025149, MeSH D008527, MONDO:0007959, OMIM 155255, HP:0002885.

Allele frequency attached by ClinVar (database versions not stated): gnomAD exomes below 0.00001; ExAC 0.00001.
gnomAD v4.1: 2 of 1,614,198 alleles (0.00012%); highest among the groups gnomAD compares: Non-Finnish European, 0.00017%; no homozygotes.

Submission:

Labcorp Genetics (formerly Invitae), Labcorp
Classification: Uncertain significance for Gorlin syndrome; Medulloblastoma. Last evaluated: 2024-05-21. Review status: criteria provided, single submitter. Criteria: Invitae Variant Classification Sherloc (09022015). Collection method: clinical testing. Allele origin: germline.
Comment: This sequence change replaces isoleucine, which is neutral and non-polar, with asparagine, which is neutral and polar, at codon 91 of the SUFU protein (p.Ile91Asn). This variant is present in population databases (rs781318691, gnomAD 0.0009%). This variant has not been reported in the literature in individuals affected with SUFU-related conditions. ClinVar contains an entry for this variant (Variation ID: 1520718). Advanced modeling of protein sequence and biophysical properties (such as structural, functional, and spatial information, amino acid conservation, physicochemical variation, residue mobility, and thermodynamic stability) performed at Invitae indicates that this missense variant is not expected to disrupt SUFU protein function with a negative predictive value of 80%. In summary, the available evidence is currently insufficient to determine the role of this variant in disease. Therefore, it has been classified as a Variant of Uncertain Significance.

NM_016169.4(SUFU):c.272T>A (p.Ile91Asn)

Gene: SUFU (SUFU negative regulator of hedgehog signaling; plus strand). Cytogenetic location: 10q24.32.
Variant type: single nucleotide variant.
Coding change: c.272T>A on transcript NM_016169.4 (MANE Select); coding-DNA position 272, T replaced by A.
Protein change: p.Ile91Asn; replaces isoleucine 91 with asparagine.
Molecular consequence: missense variant.
Genome position (GRCh38, 1-based): chr10:102,509,258, T>A. VCF-style: chr10-102509258-T-A. GRCh37 (hg19) VCF-style: chr10-104269015-T-A.
Other names: c.272T>A, p.Ile91Asn (NM_001178133.2); short protein forms I91N.
Identifiers: ClinVar variation 1520718 (VCV001520718.6), dbSNP rs781318691, ClinGen allele CA5667640.